The following is an entry in ClinVar:

NM_145239.3(PRRT2):c.971dup (p.Val325fs)

Genes: MVP-DT (MVP divergent transcript; minus strand), PRRT2 (proline rich transmembrane protein 2; plus strand). Cytogenetic location: 16p11.2.
Variant type: Duplication.
Coding change: c.971dup on transcript NM_145239.3 (MANE Select); coding-DNA position 971, one base duplicated (G; older notation c.971dupG).
Protein change: p.Val325fs; shifts the reading frame from valine 325.
Molecular consequence: frameshift variant. On other transcripts: 3 prime UTR variant (1).
Genome position (GRCh38, 1-based): chr16:29,814,424, G duplicated; the last of 6 consecutive G bases (chr16:29,814,419-29,814,424); duplicating any one gives the same sequence. VCF-style (leftmost placement, unchanged base first): chr16-29814418-T-TG. GRCh37 (hg19) VCF-style: chr16-29825739-T-TG.
Other names: c.971dup, p.Val325fs (NM_001256442.2); c.*470dup (NM_001256443.2); c.971dupG (NM_001256442.1); short protein forms V325fs.
Identifiers: ClinVar variation 871891 (VCV000871891.51), dbSNP rs796052941, ClinGen allele CA622164917.
Genomic context (GRCh38, chr16:29,814,418, plus strand): 5'-ACGTGGACGGGGCCCAGCGTCTGGGCCGGGTAGCCAAGCTCTTAAGCATCGTGGCGCTGG[T>TG]GGGGGGAGTCCTCATCATCATCGCCTCCTGCGTCATCAACTTAGGCGGTGAGTGGGGGCT-3'

ClinVar aggregate classification (germline): Pathogenic/Likely pathogenic. Review status: criteria provided, multiple submitters, no conflicts (2 of 4 stars). 5 submissions from 5 submitters: Pathogenic (3); Likely pathogenic (1). 1 of the submissions does not count toward it. Last evaluated 2023-01-08.

Conditions:
Seizures, benign familial infantile, 2 (BFIS2). Also called: CONVULSIONS, BENIGN FAMILIAL INFANTILE, 2. Identifiers: Orphanet 306, MedGen C1853995, MONDO:0011593, OMIM 605751.
Episodic kinesigenic dyskinesia 1 (EKD1). Also called: PxMD-PRRT2; PAROXYSMAL KINESIGENIC CHOREOATHETOSIS; PRRT2-Related Paroxysmal Kinesigenic Dyskinesia (PKD); Dystonia 10; DYSTONIA, FAMILIAL PAROXYSMAL. Identifiers: Orphanet 98809, MedGen C4552000, MONDO:0100352, OMIM 128200, MONDO:0007494.
PRRT2-Related Disorder. Also called: PRRT2-related disorders. Identifiers: MedGen CN381059.
Episodic kinesigenic dyskinesia (EKD). Also called: Paroxysmal kinesigenic dyskinesia. Identifiers: Orphanet 98809, MedGen C1868682, MONDO:0044202.

Submissions (5):

Labcorp Genetics (formerly Invitae), Labcorp
Classification: Pathogenic for Episodic kinesigenic dyskinesia. Last evaluated: 2023-01-08. Review status: criteria provided, single submitter. Criteria: Invitae Variant Classification Sherloc (09022015). Collection method: clinical testing. Allele origin: germline.
Comment: ClinVar contains an entry for this variant (Variation ID: 871891). This variant is also known as c.971_972insG. This premature translational stop signal has been observed in individual(s) with paroxysmal kinesigenic dyskinesia (PMID: 32392383). The frequency data for this variant in the population databases is considered unreliable, as metrics indicate poor data quality at this position in the gnomAD database. This sequence change creates a premature translational stop signal (p.Val325Serfs*16) in the PRRT2 gene. While this is not anticipated to result in nonsense mediated decay, it is expected to disrupt the last 16 amino acid(s) of the PRRT2 protein. For these reasons, this variant has been classified as Pathogenic. This variant disrupts a region of the PRRT2 protein in which other variant(s) (p.Ile327Met) have been determined to be pathogenic (PMID: 2131349, 23496026, 24609974, 24886244). This suggests that this is a clinically significant region of the protein, and that variants that disrupt it are likely to be disease-causing. Algorithms developed to predict the effect of sequence changes on RNA splicing suggest that this variant may disrupt the consensus splice site.

Mendelics
Classification: Pathogenic for Episodic kinesigenic dyskinesia 1. Last evaluated: 2022-05-04. Review status: criteria provided, single submitter. Criteria: Mendelics Assertion Criteria 2019. Collection method: clinical testing. Allele origin: germline.

The Laboratory of Genetics and Metabolism, Hunan Children’s Hospital
Classification: Likely pathogenic for Seizures, benign familial infantile, 2. Last evaluated: 2021-03-06. Review status: criteria provided, single submitter. Criteria: ACMG Guidelines, 2015. Collection method: research. Allele origin: germline. Affected: yes. Observed: 1 variant allele.

CeGaT Center for Human Genetics Tuebingen
Classification: Pathogenic. Last evaluated: 2018-07-01. Review status: criteria provided, single submitter. Criteria: CeGaT Center For Human Genetics Tuebingen Variant Classification Criteria Version 2. Collection method: clinical testing. Allele origin: germline. Affected: yes. Observed: 1 variant allele.

PreventionGenetics, part of Exact Sciences
Classification: Pathogenic for PRRT2-related condition. Last evaluated: 2024-02-23. Review status: no assertion criteria provided. Collection method: clinical testing. Allele origin: germline. Not counted in ClinVar's aggregate classification.
Comment: The PRRT2 c.971dupG variant is predicted to result in a frameshift and premature protein termination (p.Val325Serfs*15). This variant has been reported in an individual with paroxysmal kinesigenic dyskinesia (Huang et al. 2020. PubMed ID: 32392383) and it has also been reported in an individual with infantile seizures (Table 2, Liu et al. 2021. PubMed ID: 34298581). This variant is reported in 0.00091% of alleles in individuals of European (non-Finnish) descent in gnomAD. Frameshift variants in PRRT2 are expected to be pathogenic. This variant is interpreted as pathogenic.

Literature cited by the submitters: PubMed 32392383 (cited by Labcorp Genetics (formerly Invitae), Labcorp); PubMed 2131349 (cited by Labcorp Genetics (formerly Invitae), Labcorp); PubMed 23496026 (cited by Labcorp Genetics (formerly Invitae), Labcorp); PubMed 24609974 (cited by Labcorp Genetics (formerly Invitae), Labcorp); PubMed 24886244 (cited by Labcorp Genetics (formerly Invitae), Labcorp); PubMed 34298581 (cited by The Laboratory of Genetics and Metabolism, Hunan Children’s Hospital).